The following is an entry in ClinVar:

NM_000384.3(APOB):c.12053A>T (p.Asp4018Val)

Gene: APOB (apolipoprotein B; minus strand). Cytogenetic location: 2p24.1.
Variant type: single nucleotide variant.
Coding change: c.12053A>T on transcript NM_000384.3 (MANE Select); coding-DNA position 12053, A replaced by T.
Protein change: p.Asp4018Val; replaces aspartic acid 4018 with valine.
Molecular consequence: missense variant.
Genome position (GRCh38, 1-based): chr2:21,004,303, T>A on the plus strand (A>T on the coding strand, the complement: APOB is on the minus strand). VCF-style: chr2-21004303-T-A. GRCh37 (hg19) VCF-style: chr2-21227175-T-A.
Other names: short protein forms D4018V.
Identifiers: ClinVar variation 630405 (VCV000630405.13), dbSNP rs771555558, ClinGen allele CA43490370.

ClinVar aggregate classification (germline): Conflicting classifications of pathogenicity. Review status: criteria provided, conflicting classifications (1 of 4 stars). 2 submissions from 2 submitters: Uncertain significance (1); Likely benign (1). Last evaluated 2024-05-12.

Conditions:
Cardiovascular phenotype. Identifiers: MedGen CN230736.
Hypercholesterolemia, autosomal dominant, type B (FHCL2). Also called: APOB-Related Familial Hypercholesterolemia, Autosomal Dominant; Hyperlipoproteinemia Type IIb; Familial Hypercholesterolemia Type B; APOLIPOPROTEIN B-100, FAMILIAL DEFECTIVE; APOLIPOPROTEIN B-100, FAMILIAL LIGAND-DEFECTIVE; Familial hypercholesterolemia 2. Identifiers: MedGen C1704417, MONDO:0007751, OMIM 144010.
Familial hypobetalipoproteinemia 1. Also called: APOB-Related Familial Hypobetalipoproteinemia; Hypobetalipoproteinemia, normotriglyceridemic; Acanthocytosis with hypobetalipoproteinemia. Identifiers: MedGen C4551990, MONDO:0014252, OMIM 615558.

Allele frequency attached by ClinVar (database versions not stated): TOPMed 0.00001.
gnomAD v4.1: 9 of 1,613,826 alleles (0.00056%); highest among the groups gnomAD compares: African/African-American, 0.0013%; no homozygotes.

Submissions (2):

Labcorp Genetics (formerly Invitae), Labcorp
Classification: Likely benign for Familial hypobetalipoproteinemia 1; Hypercholesterolemia, autosomal dominant, type B. Last evaluated: 2024-05-12. Review status: criteria provided, single submitter. Criteria: Invitae Variant Classification Sherloc (09022015). Collection method: clinical testing. Allele origin: germline.

Ambry Genetics
Classification: Uncertain significance for Cardiovascular phenotype. Last evaluated: 2024-04-16. Review status: criteria provided, single submitter. Criteria: Ambry Variant Classification Scheme 2023. Collection method: clinical testing. Allele origin: germline.
Comment: The p.D4018V variant (also known as c.12053A>T), located in coding exon 28 of the APOB gene, results from an A to T substitution at nucleotide position 12053. The aspartic acid at codon 4018 is replaced by valine, an amino acid with highly dissimilar properties. This amino acid position is conserved. In addition, this alteration is predicted to be tolerated by in silico analysis. Since supporting evidence is limited at this time, the clinical significance of this alteration remains unclear.